The following is an entry in ClinVar:

NM_000275.3(OCA2):c.1184T>C (p.Met395Thr)

Gene: OCA2 (OCA2 melanosomal transmembrane protein; minus strand). Cytogenetic location: 15q13.1.
Variant type: single nucleotide variant.
Coding change: c.1184T>C on transcript NM_000275.3 (MANE Select); coding-DNA position 1184, T replaced by C.
Protein change: p.Met395Thr; replaces methionine 395 with threonine.
Molecular consequence: missense variant.
Genome position (GRCh38, 1-based): chr15:27,986,642, A>G on the plus strand (T>C on the coding strand, the complement: OCA2 is on the minus strand). VCF-style: chr15-27986642-A-G. GRCh37 (hg19) VCF-style: chr15-28231788-A-G.
Other names: c.1112T>C, p.Met371Thr (NM_001300984.2); short protein forms M371T, M395T.
Identifiers: ClinVar variation 2096934 (VCV002096934.1), dbSNP rs913972182, ClinGen allele CA267891841.
Genomic context (GRCh38, chr15:27,986,642, plus strand): 5'-CCTACCTTTACAGCACAATAATCGAAAAATCCCGTTTCTGAAAATATGGCTACTAAGATC[A>G]TCTATGGGGAAAAGAAGAAGACAAGGATAATCTTTTAGCAGGACACCATATTAAAACGAC-3'
Protein context (NP_000266.2, residues 385-405): FETLALLFGM[Met395Thr]ILVAIFSETG

ClinVar aggregate classification (germline): Uncertain significance (1 of 4 stars; one submission).

Allele frequency attached by ClinVar (database versions not stated): gnomAD 0.00002; TOPMed 0.00002.

Submission:

Labcorp Genetics (formerly Invitae), Labcorp
Classification: Uncertain significance. Last evaluated: 2022-07-18. Review status: criteria provided, single submitter. Criteria: Invitae Variant Classification Sherloc (09022015). Collection method: clinical testing. Allele origin: germline.
Comment: This sequence change replaces methionine, which is neutral and non-polar, with threonine, which is neutral and polar, at codon 395 of the OCA2 protein (p.Met395Thr). The frequency data for this variant in the population databases is considered unreliable, as metrics indicate poor data quality at this position in the gnomAD database. This variant has not been reported in the literature in individuals affected with OCA2-related conditions. Algorithms developed to predict the effect of missense changes on protein structure and function are either unavailable or do not agree on the potential impact of this missense change (SIFT: "Deleterious"; PolyPhen-2: "Probably Damaging"; Align-GVGD: "Class C0"). This variant disrupts the p.Met395 amino acid residue in OCA2. Other variant(s) that disrupt this residue have been determined to be pathogenic (PMID: 7874125; Invitae). This suggests that this residue is clinically significant, and that variants that disrupt this residue are likely to be disease-causing. In summary, the available evidence is currently insufficient to determine the role of this variant in disease. Therefore, it has been classified as a Variant of Uncertain Significance.

Literature cited by the submitters: PubMed 7874125.